The following is an entry in ClinVar:

ClinVar aggregate classification (germline): Uncertain significance (1 of 4 stars; one submission).

Submission:

Labcorp Genetics (formerly Invitae), Labcorp
Classification: Uncertain significance. Last evaluated: 2021-12-12. Review status: criteria provided, single submitter. Criteria: Invitae Variant Classification Sherloc (09022015). Collection method: clinical testing. Allele origin: germline.
Comment: The frequency data for this variant in the population databases is considered unreliable, as metrics indicate poor data quality at this position in the gnomAD database. This sequence change replaces proline, which is neutral and non-polar, with serine, which is neutral and polar, at codon 4901 of the HMCN1 protein (p.Pro4901Ser). This variant has not been reported in the literature in individuals affected with HMCN1-related conditions. Algorithms developed to predict the effect of missense changes on protein structure and function output the following: SIFT: "Deleterious"; PolyPhen-2: "Probably Damaging"; Align-GVGD: "Class C0". The serine amino acid residue is found in multiple mammalian species, which suggests that this missense change does not adversely affect protein function. In summary, the available evidence is currently insufficient to determine the role of this variant in disease. Therefore, it has been classified as a Variant of Uncertain Significance.

NM_031935.3(HMCN1):c.14701C>T (p.Pro4901Ser)

Gene: HMCN1 (hemicentin 1; plus strand). Cytogenetic location: 1q31.1.
Variant type: single nucleotide variant.
Coding change: c.14701C>T on transcript NM_031935.3 (MANE Select); coding-DNA position 14701, C replaced by T.
Protein change: p.Pro4901Ser; replaces proline 4901 with serine.
Molecular consequence: missense variant.
Genome position (GRCh38, 1-based): chr1:186,151,292, C>T. VCF-style: chr1-186151292-C-T. GRCh37 (hg19) VCF-style: chr1-186120424-C-T.
Other names: short protein forms P4901S.
Identifiers: ClinVar variation 2029113 (VCV002029113.4), dbSNP rs920826770, ClinGen allele CA343920240.
Genomic context (GRCh38, chr1:186,151,292, plus strand): 5'-GGAAATATTAATGATGTTGAATTTGGAATTGCTTTCCTTAATGCCACAATAACTGATAGC[C>T]CTAACTCTGATACTAGAATAATACGTGCCAAAATTACCAATGTACCTCGTAGTCTTGGTA-3'
Protein context (NP_114141.2, residues 4891-4911): AFLNATITDS[Pro4901Ser]NSDTRIIRAK